The following is an entry in ClinVar:

ClinVar aggregate classification (germline): Uncertain significance (1 of 4 stars; one submission).

Conditions:
Hereditary breast ovarian cancer syndrome. Also called: Hereditary breast and ovarian cancer syndrome (HBOC); Hereditary breast and ovarian cancer; Breast and ovarian cancer; Hereditary breast and/or ovarian cancer syndrome; BRCA1- and BRCA2-Associated Hereditary Breast and Ovarian Cancer; Hereditary breast and ovarian cancer syndrome. Identifiers: Orphanet 145, MedGen C0677776, MeSH D061325, MONDO:0003582. Disease mechanism: loss of function.

Submission:

Labcorp Genetics (formerly Invitae), Labcorp
Classification: Uncertain significance for Hereditary breast ovarian cancer syndrome. Last evaluated: 2025-12-23. Review status: criteria provided, single submitter. Criteria: Invitae Variant Classification Sherloc (09022015). Collection method: clinical testing. Allele origin: germline.
Comment: This sequence change replaces lysine, which is basic and polar, with isoleucine, which is neutral and non-polar, at codon 894 of the BRCA1 protein (p.Lys894Ile). This variant is not present in population databases (gnomAD no frequency). This variant has not been reported in the literature in individuals affected with BRCA1-related conditions. Invitae Evidence Modeling of protein sequence and biophysical properties (such as structural, functional, and spatial information, amino acid conservation, physicochemical variation, residue mobility, and thermodynamic stability) indicates that this missense variant is not expected to disrupt BRCA1 protein function with a negative predictive value of 80%. In summary, the available evidence is currently insufficient to determine the role of this variant in disease. Therefore, it has been classified as a Variant of Uncertain Significance.

NM_007294.4(BRCA1):c.2681A>T (p.Lys894Ile)

Gene: BRCA1 (BRCA1 DNA repair associated; minus strand). Cytogenetic location: 17q21.31.
Variant type: single nucleotide variant.
Coding change: c.2681A>T on transcript NM_007294.4 (MANE Select); coding-DNA position 2681, A replaced by T.
Protein change: p.Lys894Ile; replaces lysine 894 with isoleucine.
Molecular consequence: missense variant. On other transcripts: intron variant (137).
Genome position (GRCh38, 1-based): chr17:43,092,850, T>A on the plus strand (A>T on the coding strand, the complement: BRCA1 is on the minus strand). VCF-style: chr17-43092850-T-A. GRCh37 (hg19) VCF-style: chr17-41244867-T-A.
Other names: c.2468A>T, p.Lys823Ile (NM_001407898.1, NM_001407899.1, NM_001407915.1 and 9 more transcripts); c.2471A>T, p.Lys824Ile (NM_001407900.1, NM_001407902.1, NM_001407904.1 and 13 more transcripts); c.2681A>T, p.Lys894Ile (NM_001407621.1, NM_001407622.1, NM_001407623.1 and 30 more transcripts); c.2678A>T, p.Lys893Ile (NM_001407627.1, NM_001407628.1, NM_001407629.1 and 22 more transcripts); c.2672A>T, p.Lys891Ile (NM_001407646.1, NM_001407647.1); c.2558A>T, p.Lys853Ile (NM_001407648.1, NM_001407664.1, NM_001407665.1 and 19 more transcripts); c.2555A>T, p.Lys852Ile (NM_001407649.1, NM_001407670.1, NM_001407671.1 and 11 more transcripts); c.2603A>T, p.Lys868Ile (NM_001407653.1, NM_001407654.1, NM_001407655.1 and 4 more transcripts); and 41 more; short protein forms K598I, K726I, K766I, K767I, K782I, K783I, K805I, K806I.
Identifiers: ClinVar variation 4800843 (VCV004800843.1).